The following is an entry in ClinVar:

ClinVar aggregate classification (germline): Uncertain significance. Review status: criteria provided, multiple submitters, no conflicts (2 of 4 stars). 6 submissions from 6 submitters: Uncertain significance (5). 1 of the submissions does not count toward it. Last evaluated 2025-10-02.

Conditions:
Neuromuscular disease caused by qualitative or quantitative defects of dysferlin. Also called: Qualitative or quantitative defects of dysferlin; Dysferlinopathy. Identifiers: Orphanet 207073, MedGen C2931687, MONDO:0016145.
Autosomal recessive limb-girdle muscular dystrophy type 2B (LGMDR2). Also called: MUSCULAR DYSTROPHY, LIMB-GIRDLE, TYPE 3; MUSCULAR DYSTROPHY, LIMB-GIRDLE, AUTOSOMAL RECESSIVE 2; Limb-Girdle Muscular Dystrophy Type 2B (LGMD2B); Limb-girdle muscular dystrophy, type 2B. Identifiers: Orphanet 268, MedGen C1850889, MONDO:0009676, OMIM 253601.
Inborn genetic diseases. Identifiers: MedGen C0950123, MeSH D030342.

Allele frequency attached by ClinVar (database versions not stated): ExAC 0.00001; TOPMed 0.00001; gnomAD 0.00002 and 0.00003; gnomAD exomes 0.00002.
gnomAD v4.1: 36 of 1,613,976 alleles (0.0022%); highest among the groups gnomAD compares: Admixed American, 0.01%; no homozygotes.

Submissions (6):

Labcorp Genetics (formerly Invitae), Labcorp
Classification: Uncertain significance for Neuromuscular disease caused by qualitative or quantitative defects of dysferlin. Last evaluated: 2025-10-02. Review status: criteria provided, single submitter. Criteria: Invitae Variant Classification Sherloc (09022015). Collection method: clinical testing. Allele origin: germline.
Comment: This sequence change replaces arginine, which is basic and polar, with tryptophan, which is neutral and slightly polar, at codon 853 of the DYSF protein (p.Arg853Trp). This variant is present in population databases (rs749542779, gnomAD 0.009%). This variant has not been reported in the literature in individuals affected with DYSF-related conditions. ClinVar contains an entry for this variant (Variation ID: 287785). Invitae Evidence Modeling of protein sequence and biophysical properties (such as structural, functional, and spatial information, amino acid conservation, physicochemical variation, residue mobility, and thermodynamic stability) indicates that this missense variant is expected to disrupt DYSF protein function with a positive predictive value of 95%. In summary, the available evidence is currently insufficient to determine the role of this variant in disease. Therefore, it has been classified as a Variant of Uncertain Significance.

Blueprint Genetics
Classification: Uncertain significance. Last evaluated: 2024-02-05. Review status: criteria provided, single submitter. Criteria: ACMG Guidelines, 2015. Collection method: clinical testing. Allele origin: germline.

Ambry Genetics
Classification: Uncertain significance for Inborn genetic diseases. Last evaluated: 2021-09-17. Review status: criteria provided, single submitter. Criteria: Ambry Variant Classification Scheme 2023. Collection method: clinical testing. Allele origin: germline.

GeneDx
Classification: Uncertain significance. Last evaluated: 2019-09-27. Review status: criteria provided, single submitter. Criteria: GeneDx Variant Classification Process June 2021. Collection method: clinical testing. Allele origin: germline. Affected: yes.
Comment: Not observed at a significant frequency in large population cohorts (Lek et al., 2016); In silico analysis, which includes protein predictors and evolutionary conservation, supports a deleterious effect; Has not been previously published as pathogenic or benign to our knowledge

Eurofins Ntd Llc (ga)
Classification: Uncertain significance. Last evaluated: 2016-05-03. Review status: criteria provided, single submitter. Criteria: EGL Classification Definitions 2015. Collection method: clinical testing. Allele origin: germline. Observed: 1 variant allele, 1 heterozygote.

Natera, Inc.
Classification: Uncertain significance for Limb-girdle muscular dystrophy type 2B. Last evaluated: 2020-05-15. Review status: no assertion criteria provided. Collection method: clinical testing. Allele origin: germline. Not counted in ClinVar's aggregate classification.

NM_001130987.2(DYSF):c.2611C>T (p.Arg871Trp)

Gene: DYSF (dysferlin; plus strand). Cytogenetic location: 2p13.2.
Variant type: single nucleotide variant.
Coding change: c.2611C>T on transcript NM_001130987.2 (MANE Select); coding-DNA position 2611, C replaced by T.
Protein change: p.Arg871Trp; replaces arginine 871 with tryptophan.
Molecular consequence: missense variant.
Genome position (GRCh38, 1-based): chr2:71,567,996, C>T. VCF-style: chr2-71567996-C-T. GRCh37 (hg19) VCF-style: chr2-71795126-C-T.
Other names: c.2560C>T, p.Arg854Trp (NM_001130455.2, NM_001130983.2); c.2515C>T, p.Arg839Trp (NM_001130976.2, NM_001130977.2); c.2557C>T, p.Arg853Trp (NM_001130978.2, NM_003494.4); c.2650C>T, p.Arg884Trp (NM_001130979.2); c.2608C>T, p.Arg870Trp (NM_001130980.2, NM_001130981.2); c.2653C>T, p.Arg885Trp (NM_001130982.2); c.2518C>T, p.Arg840Trp (NM_001130984.2, NM_001130986.2); c.2611C>T, p.Arg871Trp (NM_001130985.2); short protein forms R853W, R871W, R840W, R870W, R884W, R885W, R839W, R854W.
Identifiers: ClinVar variation 287785 (VCV000287785.13), dbSNP rs749542779, ClinGen allele CA1706236.